The following is an entry in ClinVar:

ClinVar aggregate classification (germline): Uncertain significance. Review status: criteria provided, multiple submitters, no conflicts (2 of 4 stars). 2 submissions from 2 submitters: Uncertain significance (2). Last evaluated 2024-03-06.

Conditions:
Sclerosteosis 2 (SOST2). Identifiers: Orphanet 3152, MedGen C3280402, MONDO:0013679, OMIM 614305.
Cenani-Lenz syndactyly syndrome. Also called: SYNDACTYLY, TYPE VII; CENANI SYNDACTYLISM. Identifiers: Orphanet 3258, MedGen C1859309, MONDO:0008931, OMIM 212780.
Congenital myasthenic syndrome 17. Identifiers: Orphanet 590, MedGen C4225377, MONDO:0014578, OMIM 616304.

Allele frequency attached by ClinVar (database versions not stated): gnomAD exomes below 0.00001; TOPMed below 0.00001; gnomAD 0.00001.
gnomAD v4.1: 3 of 1,613,514 alleles (0.00019%); highest among the groups gnomAD compares: Non-Finnish European, 0.00025%; no homozygotes.

Submissions (2):

Fulgent Genetics
Classification: Uncertain significance for Cenani-Lenz syndactyly syndrome; Sclerosteosis 2; Congenital myasthenic syndrome 17. Last evaluated: 2024-03-06. Review status: criteria provided, single submitter. Criteria: ACMG Guidelines, 2015. Collection method: clinical testing. Allele origin: germline.

GeneDx
Classification: Uncertain significance. Last evaluated: 2022-10-06. Review status: criteria provided, single submitter. Criteria: GeneDx Variant Classification Process June 2021. Collection method: clinical testing. Allele origin: germline. Affected: yes.
Comment: Not observed at significant frequency in large population cohorts (gnomAD); In silico analysis supports that this missense variant has a deleterious effect on protein structure/function; Has not been previously published as pathogenic or benign to our knowledge

NM_002334.4(LRP4):c.3266A>T (p.Asp1089Val)

Gene: LRP4 (LDL receptor related protein 4; minus strand). Cytogenetic location: 11p11.2.
Variant type: single nucleotide variant.
Coding change: c.3266A>T on transcript NM_002334.4 (MANE Select); coding-DNA position 3266, A replaced by T.
Protein change: p.Asp1089Val; replaces aspartic acid 1089 with valine.
Molecular consequence: missense variant.
Genome position (GRCh38, 1-based): chr11:46,877,210, T>A on the plus strand (A>T on the coding strand, the complement: LRP4 is on the minus strand). VCF-style: chr11-46877210-T-A. GRCh37 (hg19) VCF-style: chr11-46898761-T-A.
Other names: short protein forms D1089V.
Identifiers: ClinVar variation 2498068 (VCV002498068.2), dbSNP rs1941043196, ClinGen allele CA380275240.